The following is an entry in ClinVar:

ClinVar aggregate classification (germline): Uncertain significance (1 of 4 stars; one submission).

Conditions:
KMT2D-related disorder. Also called: KMT2D-Related Disorders.

gnomAD v4.1: 3 of 1,613,832 alleles (0.00019%); highest among the groups gnomAD compares: East Asian, 0.0022%; no homozygotes.

Submission:

PreventionGenetics, part of Exact Sciences
Classification: Uncertain significance for KMT2D-related condition. Last evaluated: 2026-01-26. Review status: criteria provided, single submitter. Criteria: ACMG Guidelines, 2015. Collection method: clinical testing. Allele origin: germline.
Comment: The KMT2D c.4583G>A variant is predicted to result in the amino acid substitution p.Arg1528Gln. This variant is located at the last nucleotide of the exon and is predicted to alter splicing based on available splicing prediction programs (SpliceAI, Jaganathan et al. 2019. PubMed ID: 30661751). However, the use of computer prediction programs is not equivalent to functional evidence. To our knowledge, this variant has not been reported in the literature. This variant is reported in 0.0056% of alleles in individuals of East Asian descent in gnomAD. At this time, the clinical significance of this variant is uncertain due to the absence of conclusive functional and genetic evidence.

NM_003482.4(KMT2D):c.4583G>A (p.Arg1528Gln)

Gene: KMT2D (lysine methyltransferase 2D; minus strand). Cytogenetic location: 12q13.12.
Variant type: single nucleotide variant.
Coding change: c.4583G>A on transcript NM_003482.4 (MANE Select); coding-DNA position 4583, G replaced by A.
Protein change: p.Arg1528Gln; replaces arginine 1528 with glutamine.
Molecular consequence: missense variant.
Genome position (GRCh38, 1-based): chr12:49,046,260, C>T on the plus strand (G>A on the coding strand, the complement: KMT2D is on the minus strand). VCF-style: chr12-49046260-C-T. GRCh37 (hg19) VCF-style: chr12-49440043-C-T.
Other names: short protein forms R1528Q.
Identifiers: ClinVar variation 4992405 (VCV004992405.1).
Genomic context (GRCh38, chr12:49,046,260, plus strand): 5'-AAGCTCAGGCAATGCGAGGCTGGCAACAGGGCCAAAGTGAGGAGAAAGGGATGTTCTCAC[C>T]GTTCACAGTGGCGGCACTGGATTAGTAGGTCCTCTTCTACGTAAGGAGCATGACAGATAG-3'
Protein context (NP_003473.3, residues 1518-1538): DLLIQCRHCE[Arg1528Gln]WMHAGCESLF